The following is an entry in ClinVar:

NM_014159.7(SETD2):c.2009A>C (p.Glu670Ala)

Gene: SETD2 (SET domain containing 2, histone lysine methyltransferase; minus strand). Cytogenetic location: 3p21.31.
Variant type: single nucleotide variant.
Coding change: c.2009A>C on transcript NM_014159.7 (MANE Select); coding-DNA position 2009, A replaced by C.
Protein change: p.Glu670Ala; replaces glutamic acid 670 with alanine.
Molecular consequence: missense variant. On other transcripts: non-coding transcript variant (1).
Genome position (GRCh38, 1-based): chr3:47,122,627, T>G on the plus strand (A>C on the coding strand, the complement: SETD2 is on the minus strand). VCF-style: chr3-47122627-T-G. GRCh37 (hg19) VCF-style: chr3-47164117-T-G.
Other names: c.1877A>C, p.Glu626Ala (NM_001349370.3); short protein forms E626A, E670A.
Identifiers: ClinVar variation 1806274 (VCV001806274.1), dbSNP rs1394795747, ClinGen allele CA352528191.
Genomic context (GRCh38, chr3:47,122,627, plus strand): 5'-TTAGAAGTGCAAAATGTTGCCAAATCAGATTCTGCCCCAGGAGATCCATTTATATTTAAT[T>G]CTATGGGACAAAAACTTCTTAATTGATCATTCTTCACTTTAGATAAAGAGTCTAATTCCT-3'
Protein context (NP_054878.5, residues 660-680): NDQLRSFCPI[Glu670Ala]LNINGSPGAE

ClinVar aggregate classification (germline): Uncertain significance (1 of 4 stars; one submission).

Conditions:
Luscan-Lumish syndrome. Identifiers: Orphanet 597738, MedGen C4085873, MONDO:0014791, OMIM 616831.

Submission:

Victorian Clinical Genetics Services, Murdoch Childrens Research Institute
Classification: Uncertain significance for Luscan-Lumish syndrome. Last evaluated: 2020-05-25. Review status: criteria provided, single submitter. Criteria: ACMG Guidelines, 2015. Collection method: clinical testing. Allele origin: germline. Inheritance: Autosomal dominant inheritance. Affected: yes.
Comment: Based on the classification scheme VCGS_Germline_v1.1.1, this variant is classified as 3C - VUS. Following criteria are met: 0102 - Loss-of-function is a known mechanism of disease for this gene. (N) 0107 - This gene is known to be associated with autosomal dominant disease. (N) 0200 - Variant is predicted to result in a missense amino acid change from glutamic acid to alanine. (N) 0251 - Variant is heterozygous. (N) 0301 - Variant is absent from gnomAD. (P) 0309 - An alternative amino acid change at the same position has been observed in gnomAD (p.(Glu670Gly) - 0.0004%; p.(Glu670Lys) - 0.009%). (N) 0501 - Missense variant consistently predicted to be damaging by multiple in-silico tools or highly conserved with a major amino acid change. (P) 0604 - Variant is not located in an established domain, motif, hotspot or informative constraint region. (N) 0705 - No comparable variants have previous evidence for pathogenicity. (N) 0807 - Variant has not previously been reported in a clinical context. (N) 0905 - No segregation evidence has been identified for this variant. (N) 1007 - No published functional evidence has been identified for this variant. (N) Legend: (P) - Pathogenic, (N) - Neutral, (B) - Benign